The following is an entry in ClinVar:

ClinVar aggregate classification (germline): Likely pathogenic (1 of 4 stars; one submission).

Conditions:
Focal segmental glomerulosclerosis and neurodevelopmental syndrome. Identifiers: MedGen C5561938, MONDO:0100111, OMIM 619428.

Submission:

3billion
Classification: Likely pathogenic for Focal segmental glomerulosclerosis and neurodevelopmental syndrome. Last evaluated: 2025-12-18. Review status: criteria provided, single submitter. Criteria: ACMG Guidelines, 2015. Collection method: clinical testing. Allele origin: germline. Affected: yes.
Comment: The variant is not observed in the gnomAD v4.1.0 dataset. Predicted Consequence/Location: Stop-gained (nonsense): predicted to result in a loss or disruption of normal protein function through protein truncation. The predicted truncated protein may be shortened by more than 10%. The variant has been reported to be associated with TRIM8-related disorder (ClinVar ID: VCV001526073 /PMID: 35032046 /3billion dataset). Therefore, this variant is classified as Likely pathogenic according to the recommendation of ACMG/AMP guideline.

Literature cited by the submitters: PubMed 35032046.

NM_030912.3(TRIM8):c.1200C>G (p.Tyr400Ter)

Gene: TRIM8 (tripartite motif containing 8; plus strand). Cytogenetic location: 10q24.32.
Variant type: single nucleotide variant.
Coding change: c.1200C>G on transcript NM_030912.3 (MANE Select); coding-DNA position 1200, C replaced by G.
Protein change: p.Tyr400Ter; replaces tyrosine 400 with a stop codon.
Molecular consequence: nonsense. On other transcripts: non-coding transcript variant (1).
Genome position (GRCh38, 1-based): chr10:102,656,898, C>G. VCF-style: chr10-102656898-C-G. GRCh37 (hg19) VCF-style: chr10-104416655-C-G.
Other names: c.1104C>G, p.Tyr368Ter (NM_001345950.1); short protein forms Y368*, Y400*.
Identifiers: ClinVar variation 1526073 (VCV001526073.2), dbSNP rs772349788, ClinGen allele CA377931458.
Genomic context (GRCh38, chr10:102,656,898, plus strand): 5'-AACGGCCTTCCCAGAGGCCAGTTTCCTAGAGACGTCGTCGGGCCCTGTGGGCGGCCAGTA[C>G]GGGGCGGCGGGCACAGCCAGCGGTGAGGGCCAGTCTGGGCAGCCCCTGGGGCCCTGCAGC-3'